The following is an entry in ClinVar:

ClinVar aggregate classification (germline): Uncertain significance (1 of 4 stars; one submission).

Conditions:
Cardiovascular phenotype. Identifiers: MedGen CN230736.

Submission:

Ambry Genetics
Classification: Uncertain significance for Cardiovascular phenotype. Last evaluated: 2023-12-11. Review status: criteria provided, single submitter. Criteria: Ambry Variant Classification Scheme 2023. Collection method: clinical testing. Allele origin: germline.
Comment: The p.A2639T variant (also known as c.7915G>A), located in coding exon 22 of the TNXB gene, results from a G to A substitution at nucleotide position 7915. The alanine at codon 2639 is replaced by threonine, an amino acid with similar properties. This amino acid position is conserved. In addition, this alteration is predicted to be tolerated by in silico analysis. Since supporting evidence is limited at this time, the clinical significance of this alteration remains unclear.

NM_001365276.2(TNXB):c.7915G>A (p.Ala2639Thr)

Gene: TNXB (tenascin XB; minus strand). Cytogenetic location: 6p21.33.
Variant type: single nucleotide variant.
Coding change: c.7915G>A on transcript NM_001365276.2 (MANE Select); coding-DNA position 7915, G replaced by A.
Protein change: p.Ala2639Thr; replaces alanine 2639 with threonine.
Molecular consequence: missense variant.
Genome position (GRCh38, 1-based): chr6:32,056,814, C>T on the plus strand (G>A on the coding strand, the complement: TNXB is on the minus strand). VCF-style: chr6-32056814-C-T. GRCh37 (hg19) VCF-style: chr6-32024591-C-T.
Other names: c.8656G>A, p.Ala2886Thr (NM_001428335.1); c.7915G>A, p.Ala2639Thr (NM_019105.8); short protein forms A2639T, A2886T.
Identifiers: ClinVar variation 3227328 (VCV003227328.1), dbSNP rs2483476085, ClinGen allele CA363550478.